The following is an entry in ClinVar:

ClinVar aggregate classification (germline): Likely benign. Review status: criteria provided, multiple submitters, no conflicts (2 of 4 stars). 3 submissions from 3 submitters: Likely benign (3). Last evaluated 2025-10-22.

Allele frequency attached by ClinVar (database versions not stated): gnomAD exomes 0.00002 and 0.00005; ExAC 0.00005; TOPMed 0.00009; gnomAD 0.00010; 1000 Genomes Project 30x 0.00016; 1000 Genomes Project 0.00020.
gnomAD v4.1: 68 of 1,609,430 alleles (0.0042%); highest among the groups gnomAD compares: East Asian, 0.047%; 1 homozygote.

Submissions (3):

Labcorp Genetics (formerly Invitae), Labcorp
Classification: Likely benign. Last evaluated: 2025-10-22. Review status: criteria provided, single submitter. Criteria: Invitae Variant Classification Sherloc (09022015). Collection method: clinical testing. Allele origin: germline.

CeGaT Center for Human Genetics Tuebingen
Classification: Likely benign. Last evaluated: 2025-05-01. Review status: criteria provided, single submitter. Criteria: CeGaT Center For Human Genetics Tuebingen Variant Classification Criteria Version 2. Collection method: clinical testing. Allele origin: germline. Affected: yes. Observed: 1 variant allele.
Comment: KATNIP: BP4, BP7

Blueprint Genetics
Classification: Likely benign. Last evaluated: 2024-11-06. Review status: criteria provided, single submitter. Criteria: ACMG Guidelines, 2015. Collection method: clinical testing. Allele origin: germline.

NM_015202.5(KATNIP):c.2808C>T (p.Ser936=)

Gene: KATNIP (katanin interacting protein; plus strand). Cytogenetic location: 16p12.1.
Variant type: single nucleotide variant.
Coding change: c.2808C>T on transcript NM_015202.5 (MANE Select); coding-DNA position 2808, C replaced by T.
Protein change: p.Ser936=; no amino-acid change (serine 936 retained).
Molecular consequence: synonymous variant.
Genome position (GRCh38, 1-based): chr16:27,749,768, C>T. VCF-style: chr16-27749768-C-T. GRCh37 (hg19) VCF-style: chr16-27761089-C-T.
Identifiers: ClinVar variation 732935 (VCV000732935.20), dbSNP rs368048134, ClinGen allele CA7978067.